The following is an entry in ClinVar:

ClinVar aggregate classification (germline): Uncertain significance. Review status: criteria provided, multiple submitters, no conflicts (2 of 4 stars). 2 submissions from 2 submitters: Uncertain significance (2). Last evaluated 2025-05-27.

Conditions:
DYRK1B-related disorder. Also called: DYRK1B-related condition.

Allele frequency attached by ClinVar (database versions not stated): gnomAD exomes 0.00002; ExAC 0.00004; TOPMed 0.00006; gnomAD 0.00007.

Submissions (2):

PreventionGenetics, part of Exact Sciences
Classification: Uncertain significance for DYRK1B-related condition. Last evaluated: 2025-05-27. Review status: criteria provided, single submitter. Criteria: ACMG Guidelines, 2015. Collection method: clinical testing. Allele origin: germline.
Comment: The DYRK1B c.500C>T variant is predicted to result in the amino acid substitution p.Thr167Met. This variant was reported in an individual undergoing sequencing for dyslipidemia (supplementary data, Dron et al. 2020. PubMed ID: 32041611). This variant is reported in 0.011% of alleles in individuals of Latino descent in gnomAD. At this time, the clinical significance of this variant is uncertain due to the absence of conclusive functional and genetic evidence.

Labcorp Genetics (formerly Invitae), Labcorp
Classification: Uncertain significance. Last evaluated: 2023-03-03. Review status: criteria provided, single submitter. Criteria: Invitae Variant Classification Sherloc (09022015). Collection method: clinical testing. Allele origin: germline.
Comment: This variant has not been reported in the literature in individuals affected with DYRK1B-related conditions. This variant is present in population databases (rs781666002, gnomAD 0.01%). This sequence change replaces threonine, which is neutral and polar, with methionine, which is neutral and non-polar, at codon 167 of the DYRK1B protein (p.Thr167Met). Advanced modeling of protein sequence and biophysical properties (such as structural, functional, and spatial information, amino acid conservation, physicochemical variation, residue mobility, and thermodynamic stability) performed at Invitae indicates that this missense variant is not expected to disrupt DYRK1B protein function. In summary, the available evidence is currently insufficient to determine the role of this variant in disease. Therefore, it has been classified as a Variant of Uncertain Significance.

NM_004714.3(DYRK1B):c.500C>T (p.Thr167Met)

Gene: DYRK1B (dual specificity tyrosine phosphorylation regulated kinase 1B; minus strand). Cytogenetic location: 19q13.2.
Variant type: single nucleotide variant.
Coding change: c.500C>T on transcript NM_004714.3 (MANE Select); coding-DNA position 500, C replaced by T.
Protein change: p.Thr167Met; replaces threonine 167 with methionine.
Molecular consequence: missense variant.
Genome position (GRCh38, 1-based): chr19:39,829,900, G>A on the plus strand (C>T on the coding strand, the complement: DYRK1B is on the minus strand). VCF-style: chr19-39829900-G-A. GRCh37 (hg19) VCF-style: chr19-40320540-G-A.
Other names: c.500C>T, p.Thr167Met (NM_006483.3, NM_006484.3); short protein forms T167M.
Identifiers: ClinVar variation 2636050 (VCV002636050.5), dbSNP rs781666002, ClinGen allele CA9434311.